The following is an entry in ClinVar:

ClinVar aggregate classification (germline): Uncertain significance. Review status: criteria provided, multiple submitters, no conflicts (2 of 4 stars). 4 submissions from 4 submitters: Uncertain significance (4). Last evaluated 2026-03-27.

Conditions:
Arrhythmogenic cardiomyopathy with wooly hair and keratoderma. Also called: Arrhythmogenic cardiomyopathy with woolly hair and keratoderma; PALMOPLANTAR KERATODERMA WITH LEFT VENTRICULAR CARDIOMYOPATHY AND WOOLLY HAIR; Dilated cardiomyopathy with woolly hair and keratoderma; Carvajal syndrome. Identifiers: Orphanet 65282, MedGen C1854063, MONDO:0011581, OMIM 605676.
Arrhythmogenic right ventricular dysplasia 8 (ARVD8). Also called: Arrhythmogenic Right Ventricular Dysplasia/Cardiomyopathy 8; ARRHYTHMOGENIC RIGHT VENTRICULAR DYSPLASIA, FAMILIAL, 8; ARRHYTHMOGENIC RIGHT VENTRICULAR CARDIOMYOPATHY 8. Identifiers: MedGen C1843896, MONDO:0011831, OMIM 607450.
Cardiomyopathy (CMYO). Also called: Cardiomyopathies. Identifiers: Orphanet 167848, MedGen C0878544, MONDO:0004994, HP:0001638. Inheritance: Various modes of inheritance.
Cardiovascular phenotype. Identifiers: MedGen CN230736.

Allele frequency attached by ClinVar (database versions not stated): gnomAD below 0.00001 and 0.00001; gnomAD exomes below 0.00001; TOPMed below 0.00001.
gnomAD v4.1: 4 of 1,613,928 alleles (0.00025%); highest among the groups gnomAD compares: African/African-American, 0.0013%; no homozygotes.

Submissions (4):

Molecular Diagnostic Laboratory for Inherited Cardiovascular Disease, Montreal Heart Institute
Classification: Uncertain significance for Cardiovascular phenotype. Last evaluated: 2026-03-27. Review status: criteria provided, single submitter. Criteria: ACMG Guidelines, 2015. Collection method: clinical testing. Allele origin: germline. Affected: yes.
Comment: PM1, PM2

Labcorp Genetics (formerly Invitae), Labcorp
Classification: Uncertain significance for Arrhythmogenic cardiomyopathy with wooly hair and keratoderma; Arrhythmogenic right ventricular dysplasia 8. Last evaluated: 2024-09-06. Review status: criteria provided, single submitter. Criteria: Invitae Variant Classification Sherloc (09022015). Collection method: clinical testing. Allele origin: germline.
Comment: This sequence change replaces aspartic acid, which is acidic and polar, with asparagine, which is neutral and polar, at codon 406 of the DSP protein (p.Asp406Asn). This variant is not present in population databases (gnomAD no frequency). This variant has not been reported in the literature in individuals affected with DSP-related conditions. ClinVar contains an entry for this variant (Variation ID: 920462). An algorithm developed to predict the effect of missense changes on protein structure and function (PolyPhen-2) suggests that this variant is likely to be disruptive. In summary, the available evidence is currently insufficient to determine the role of this variant in disease. Therefore, it has been classified as a Variant of Uncertain Significance.

Color Diagnostics, LLC DBA Color Health
Classification: Uncertain significance for Cardiomyopathy. Last evaluated: 2024-02-12. Review status: criteria provided, single submitter. Criteria: ACMG Guidelines, 2015. Collection method: clinical testing. Allele origin: germline.
Comment: This missense variant replaces aspartic acid with asparagine at codon 406 of the DSP protein. Computational prediction tools indicate that this variant's impact on protein structure and function is inconclusive. To our knowledge, functional studies have not been reported for this variant. This variant has not been reported in individuals affected with DSP-related disorders in the literature. This variant has not been identified in the general population by the Genome Aggregation Database (gnomAD). The available evidence is insufficient to determine the role of this variant in disease conclusively. Therefore, this variant is classified as a Variant of Uncertain Significance.

All of Us Research Program, National Institutes of Health
Classification: Uncertain significance for Arrhythmogenic cardiomyopathy with wooly hair and keratoderma. Last evaluated: 2023-06-28. Review status: criteria provided, single submitter. Criteria: ACMG Guidelines, 2015. Collection method: clinical testing. Allele origin: germline. Inheritance: Autosomal dominant inheritance. Observed: 1 variant allele, 1 heterozygote.
Comment: This study involves interpretation of variants in research participants for the purpose of population health screening. Participant phenotype was not available at the time of variant classification. Additional details can be found in publication PMID: 35346344, PMCID: PMC8962531

NM_004415.4(DSP):c.1216G>A (p.Asp406Asn)

Gene: DSP (desmoplakin; plus strand). Cytogenetic location: 6p24.3.
Variant type: single nucleotide variant.
Coding change: c.1216G>A on transcript NM_004415.4 (MANE Select); coding-DNA position 1216, G replaced by A.
Protein change: p.Asp406Asn; replaces aspartic acid 406 with asparagine.
Molecular consequence: missense variant.
Genome position (GRCh38, 1-based): chr6:7,567,856, G>A. VCF-style: chr6-7567856-G-A. GRCh37 (hg19) VCF-style: chr6-7568089-G-A.
Other names: c.1216G>A (NM_004415.3); c.1216G>A, p.Asp406Asn (NM_001008844.3, NM_001319034.2); short protein forms D406N.
Identifiers: ClinVar variation 920462 (VCV000920462.11), dbSNP rs1758911711, ClinGen allele CA362676155.